The following is an entry in ClinVar:

NM_014845.6(FIG4):c.1479C>G (p.Thr493=)

Gene: FIG4 (FIG4 phosphoinositide 5-phosphatase; plus strand). Cytogenetic location: 6q21.
Variant type: single nucleotide variant.
Coding change: c.1479C>G on transcript NM_014845.6 (MANE Select); coding-DNA position 1479, C replaced by G.
Protein change: p.Thr493=; no amino-acid change (threonine 493 retained).
Molecular consequence: synonymous variant.
Genome position (GRCh38, 1-based): chr6:109,765,057, C>G. VCF-style: chr6-109765057-C-G. GRCh37 (hg19) VCF-style: chr6-110086260-C-G.
Identifiers: ClinVar variation 1613079 (VCV001613079.11), dbSNP rs144072304, ClinGen allele CA3956105.

ClinVar aggregate classification (germline): Likely benign. Review status: criteria provided, multiple submitters, no conflicts (2 of 4 stars). 3 submissions from 3 submitters: Likely benign (3). Last evaluated 2026-02-26.

Conditions:
FIG4-related disorder. Also called: FIG4-related disorders; FIG4-related condition.
Inborn genetic diseases. Identifiers: MedGen C0950123, MeSH D030342.
Charcot-Marie-Tooth disease type 4. Also called: Charcot-Marie-Tooth disease, type IV; Charcot-Marie-Tooth, Type 4. Identifiers: Orphanet 64749, MedGen C4082197, MONDO:0018995.

Allele frequency attached by ClinVar (database versions not stated): gnomAD exomes 0.00001 and 0.00006; ExAC 0.00009; gnomAD 0.00020 and 0.00021; TOPMed 0.00020; 1000 Genomes Project 30x 0.00031; ESP Exome Variant Server 0.00038; 1000 Genomes Project 0.00040.
gnomAD v4.1: 50 of 1,613,742 alleles (0.0031%); highest among the groups gnomAD compares: African/African-American, 0.063%; no homozygotes.

Submissions (3):

PreventionGenetics, part of Exact Sciences
Classification: Likely benign for FIG4-related condition. Last evaluated: 2026-02-26. Review status: criteria provided, single submitter. Criteria: ACMG Guidelines, 2015. Collection method: clinical testing. Allele origin: germline.
Comment: This variant is classified as likely benign based on ACMG/AMP sequence variant interpretation guidelines (Richards et al. 2015 PMID: 25741868, with internal and published modifications).

Labcorp Genetics (formerly Invitae), Labcorp
Classification: Likely benign for Charcot-Marie-Tooth disease type 4. Last evaluated: 2024-08-28. Review status: criteria provided, single submitter. Criteria: Invitae Variant Classification Sherloc (09022015). Collection method: clinical testing. Allele origin: germline.

Ambry Genetics
Classification: Likely benign for Inborn genetic diseases. Last evaluated: 2019-10-23. Review status: criteria provided, single submitter. Criteria: Ambry Variant Classification Scheme 2023. Collection method: clinical testing. Allele origin: germline.